The following is an entry in ClinVar:

NC_000006.11:g.(?_51518816)_(51523750_?)del

Gene: PKHD1 (PKHD1 ciliary IPT domain containing fibrocystin/polyductin; minus strand). Cytogenetic location: 6p12.3.
Variant type: Deletion.
Identifiers: ClinVar variation 3245970 (VCV003245970.1).

ClinVar aggregate classification (germline): Likely pathogenic (1 of 4 stars; one submission).

Conditions:
Autosomal recessive polycystic kidney disease (ARPKD). Also called: AR polycystic kidney disease. Identifiers: Orphanet 731, Orphanet 8378, MedGen C0085548, MeSH D017044, MONDO:0009889.

Submission:

Labcorp Genetics (formerly Invitae), Labcorp
Classification: Likely pathogenic for Autosomal recessive polycystic kidney disease. Last evaluated: 2024-01-04. Review status: criteria provided, single submitter. Criteria: Invitae Variant Classification Sherloc (09022015). Collection method: clinical testing. Allele origin: unknown.
Comment: This variant results in the deletion of part of exon 61 (c.11174_11175-4798delins82) of the PKHD1 gene. It is expected to disrupt RNA splicing. Variants that disrupt the donor or acceptor splice site typically lead to a loss of protein function (PMID: 16199547), and loss-of-function variants in PKHD1 are known to be pathogenic (PMID: 19940839). This variant has not been reported in the literature in individuals affected with PKHD1-related conditions. ClinVar contains an entry for this variant (Variation ID: 644726). In summary, the currently available evidence indicates that the variant is pathogenic, but additional data are needed to prove that conclusively. Therefore, this variant has been classified as Likely Pathogenic.

Literature cited by the submitters: PubMed 16199547; PubMed 19940839.